The following is an entry in ClinVar:

ClinVar aggregate classification (germline): Uncertain significance (1 of 4 stars; one submission).

Conditions:
ACSS2-related disorder. Also called: ACSS2-related condition.

gnomAD v4.1: 1,009 of 1,613,956 alleles (0.063%); highest among the groups gnomAD compares: Non-Finnish European, 0.08%; 1 homozygote.

Submission:

PreventionGenetics, part of Exact Sciences
Classification: Uncertain significance for ACSS2-related condition. Last evaluated: 2025-12-10. Review status: criteria provided, single submitter. Criteria: ACMG Guidelines, 2015. Collection method: clinical testing. Allele origin: germline.
Comment: The ACSS2 c.383A>G variant is predicted to result in the amino acid substitution p.Asn128Ser. To our knowledge, this variant has not been reported in the literature. This variant is reported in 0.060% of alleles in individuals of European (Non-Finnish) descent in gnomAD, including 1 homozygote, which may be too frequent to be a primary cause of disease. Although we suspect that this variant may be benign, at this time, the clinical significance of this variant is uncertain due to the absence of conclusive functional and genetic evidence.

NM_018677.4(ACSS2):c.383A>G (p.Asn128Ser)

Gene: ACSS2 (acyl-CoA synthetase short chain family member 2; plus strand). Cytogenetic location: 20q11.22.
Variant type: single nucleotide variant.
Coding change: c.383A>G on transcript NM_018677.4 (MANE Select); coding-DNA position 383, A replaced by G.
Protein change: p.Asn128Ser; replaces asparagine 128 with serine.
Molecular consequence: missense variant.
Genome position (GRCh38, 1-based): chr20:34,913,104, A>G. VCF-style: chr20-34913104-A-G. GRCh37 (hg19) VCF-style: chr20-33500907-A-G.
Other names: c.383A>G, p.Asn128Ser (NM_001076552.3); c.98A>G, p.Asn33Ser (NM_001242393.2); short protein forms N128S, N33S.
Identifiers: ClinVar variation 4980434 (VCV004980434.1).